The following is an entry in ClinVar:

ClinVar aggregate classification (germline): Uncertain significance. Review status: criteria provided, multiple submitters, no conflicts (2 of 4 stars). 2 submissions from 2 submitters: Uncertain significance (2). Last evaluated 2024-05-03.

Allele frequency attached by ClinVar (database versions not stated): ExAC 0.00008; gnomAD exomes 0.00008 and 0.00014; TOPMed 0.00010; gnomAD 0.00012 and 0.00013; ESP Exome Variant Server 0.00015.
gnomAD v4.1: 229 of 1,613,998 alleles (0.014%); highest among the groups gnomAD compares: Non-Finnish European, 0.018%; no homozygotes.

Submissions (2):

Blueprint Genetics
Classification: Uncertain significance. Last evaluated: 2024-05-03. Review status: criteria provided, single submitter. Criteria: ACMG Guidelines, 2015. Collection method: clinical testing. Allele origin: germline.

Labcorp Genetics (formerly Invitae), Labcorp
Classification: Uncertain significance. Last evaluated: 2022-07-19. Review status: criteria provided, single submitter. Criteria: Invitae Variant Classification Sherloc (09022015). Collection method: clinical testing. Allele origin: germline.
Comment: This sequence change replaces serine, which is neutral and polar, with phenylalanine, which is neutral and non-polar, at codon 1032 of the RBP3 protein (p.Ser1032Phe). This variant is present in population databases (rs139366460, gnomAD 0.02%). This variant has not been reported in the literature in individuals affected with RBP3-related conditions. ClinVar contains an entry for this variant (Variation ID: 1047541). Algorithms developed to predict the effect of missense changes on protein structure and function (SIFT, PolyPhen-2, Align-GVGD) all suggest that this variant is likely to be disruptive. In summary, the available evidence is currently insufficient to determine the role of this variant in disease. Therefore, it has been classified as a Variant of Uncertain Significance.

NM_002900.3(RBP3):c.3095C>T (p.Ser1032Phe)

Gene: RBP3 (retinol binding protein 3; plus strand). Cytogenetic location: 10q11.22.
Variant type: single nucleotide variant.
Coding change: c.3095C>T on transcript NM_002900.3 (MANE Select); coding-DNA position 3095, C replaced by T.
Protein change: p.Ser1032Phe; replaces serine 1032 with phenylalanine.
Molecular consequence: missense variant.
Genome position (GRCh38, 1-based): chr10:47,353,365, C>T. VCF-style: chr10-47353365-C-T. GRCh37 (hg19) VCF-style: chr10-48385997-G-A.
Other names: short protein forms S1032F.
Identifiers: ClinVar variation 1047541 (VCV001047541.7), dbSNP rs139366460, ClinGen allele CA5487135.
Genomic context (GRCh38, chr10:47,353,365, plus strand): 5'-AGGACCTCCAACTCTTACAGATCCCTTCCCCTGAAGTATTTGAAGAGCTGATCAAGTTTT[C>T]CTTCCACACTAACGTGCTTGAGGACAACATTGGCTACTTGAGGTTTGACATGTTTGGGGA-3'
Protein context (NP_002891.1, residues 1022-1042): PEVFEELIKF[Ser1032Phe]FHTNVLEDNI